The following is an entry in ClinVar:

NM_001164508.2(NEB):c.5630G>T (p.Ser1877Ile)

Gene: NEB (nebulin; minus strand). Cytogenetic location: 2q23.3.
Variant type: single nucleotide variant.
Coding change: c.5630G>T on transcript NM_001164508.2 (MANE Select); coding-DNA position 5630, G replaced by T.
Protein change: p.Ser1877Ile; replaces serine 1877 with isoleucine.
Molecular consequence: missense variant.
Genome position (GRCh38, 1-based): chr2:151,663,681, C>A on the plus strand (G>T on the coding strand, the complement: NEB is on the minus strand). VCF-style: chr2-151663681-C-A. GRCh37 (hg19) VCF-style: chr2-152520195-C-A.
Other names: c.5630G>T, p.Ser1877Ile (NM_001164507.2, NM_001271208.2, NM_004543.5); short protein forms S1877I.
Identifiers: ClinVar variation 2014998 (VCV002014998.1), dbSNP rs748842079, ClinGen allele CA348808114.

ClinVar aggregate classification (germline): Uncertain significance (1 of 4 stars; one submission).

Conditions:
Nemaline myopathy 2 (NEM2). Also called: Nemaline myopathy 2, autosomal recessive. Identifiers: MedGen C1850569, MONDO:0009725, OMIM 256030.

Submission:

Labcorp Genetics (formerly Invitae), Labcorp
Classification: Uncertain significance for Nemaline myopathy 2. Last evaluated: 2022-07-08. Review status: criteria provided, single submitter. Criteria: Invitae Variant Classification Sherloc (09022015). Collection method: clinical testing. Allele origin: germline.
Comment: This sequence change replaces serine, which is neutral and polar, with isoleucine, which is neutral and non-polar, at codon 1877 of the NEB protein (p.Ser1877Ile). This variant is not present in population databases (gnomAD no frequency). This variant has not been reported in the literature in individuals affected with NEB-related conditions. Algorithms developed to predict the effect of missense changes on protein structure and function are either unavailable or do not agree on the potential impact of this missense change (SIFT: "Deleterious"; PolyPhen-2: "Not Available"; Align-GVGD: "Class C0"). In summary, the available evidence is currently insufficient to determine the role of this variant in disease. Therefore, it has been classified as a Variant of Uncertain Significance.